The following is an entry in ClinVar:

NM_014681.6(DHX34):c.927C>T (p.Leu309=)

Gene: DHX34 (DExH-box helicase 34; plus strand). Cytogenetic location: 19q13.32.
Variant type: single nucleotide variant.
Coding change: c.927C>T on transcript NM_014681.6 (MANE Select); coding-DNA position 927, C replaced by T.
Protein change: p.Leu309=; no amino-acid change (leucine 309 retained).
Molecular consequence: synonymous variant.
Genome position (GRCh38, 1-based): chr19:47,355,260, C>T. VCF-style: chr19-47355260-C-T. GRCh37 (hg19) VCF-style: chr19-47858517-C-T.
Identifiers: ClinVar variation 3038863 (VCV003038863.2), dbSNP rs774630959, ClinGen allele CA9537883.

ClinVar aggregate classification (germline): Likely benign (0 of 4 stars; one submission).

Conditions:
DHX34-related disorder. Also called: DHX34-related condition.

Allele frequency attached by ClinVar (database versions not stated): TOPMed 0.00008; ExAC 0.00009; gnomAD exomes 0.00009; gnomAD 0.00010.
gnomAD v4.1: 140 of 1,614,106 alleles (0.0087%); highest among the groups gnomAD compares: Non-Finnish European, 0.011%; no homozygotes.

Submission:

PreventionGenetics, part of Exact Sciences
Classification: Likely benign for DHX34-related condition. Last evaluated: 2020-01-03. Review status: no assertion criteria provided. Collection method: clinical testing. Allele origin: germline.
Comment: This variant is classified as likely benign based on ACMG/AMP sequence variant interpretation guidelines (Richards et al. 2015 PMID: 25741868, with internal and published modifications).